The following is an entry in ClinVar:

ClinVar aggregate classification (germline): Likely benign. Review status: criteria provided, multiple submitters, no conflicts (2 of 4 stars). 4 submissions from 4 submitters: Likely benign (4). Last evaluated 2024-11-15.

Conditions:
Bethlem myopathy 1A. Also called: Bethlem myopathy 1; Bethlem Muscular Dystrophy; MYOPATHY, BENIGN CONGENITAL, WITH CONTRACTURES. Identifiers: Orphanet 610, MedGen CN029274, MONDO:0024530, OMIM 158810.

Allele frequency attached by ClinVar (database versions not stated): gnomAD 0.00002 and 0.00003; ExAC 0.00003; gnomAD exomes 0.00005; TOPMed 0.00007; 1000 Genomes Project 30x 0.00016; 1000 Genomes Project 0.00020.
gnomAD v4.1: 85 of 1,611,686 alleles (0.0053%); highest among the groups gnomAD compares: Middle Eastern, 0.099%; no homozygotes.

Submissions (4):

Labcorp Genetics (formerly Invitae), Labcorp
Classification: Likely benign for Bethlem myopathy 1A. Last evaluated: 2024-11-15. Review status: criteria provided, single submitter. Criteria: Invitae Variant Classification Sherloc (09022015). Collection method: clinical testing. Allele origin: germline.

Blueprint Genetics
Classification: Likely benign. Last evaluated: 2024-11-01. Review status: criteria provided, single submitter. Criteria: ACMG Guidelines, 2015. Collection method: clinical testing. Allele origin: germline.

Athena Diagnostics
Classification: Likely benign. Last evaluated: 2020-08-12. Review status: criteria provided, single submitter. Criteria: Athena Diagnostics Criteria. Collection method: clinical testing. Allele origin: unknown.

GeneDx
Classification: Likely benign. Last evaluated: 2017-10-16. Review status: criteria provided, single submitter. Criteria: GeneDx Variant Classification (06012015). Collection method: clinical testing. Allele origin: germline. Affected: yes.
Comment: This variant is considered likely benign or benign based on one or more of the following criteria: it is a conservative change, it occurs at a poorly conserved position in the protein, it is predicted to be benign by multiple in silico algorithms, and/or has population frequency not consistent with disease.

NM_001848.3(COL6A1):c.1941G>A (p.Arg647=)

Gene: COL6A1 (collagen type VI alpha 1 chain; plus strand). Cytogenetic location: 21q22.3.
Variant type: single nucleotide variant.
Coding change: c.1941G>A on transcript NM_001848.3 (MANE Select); coding-DNA position 1941, G replaced by A.
Protein change: p.Arg647=; no amino-acid change (arginine 647 retained).
Molecular consequence: synonymous variant.
Genome position (GRCh38, 1-based): chr21:46,001,371, G>A. VCF-style: chr21-46001371-G-A. GRCh37 (hg19) VCF-style: chr21-47421285-G-A.
Identifiers: ClinVar variation 512683 (VCV000512683.14), dbSNP rs139914666, ClinGen allele CA10070659.